The following is an entry in ClinVar:

ClinVar aggregate classification (germline): Uncertain significance (1 of 4 stars; one submission).

Conditions:
Succinate-semialdehyde dehydrogenase deficiency (SSADHD). Also called: SSADH DEFICIENCY; 4-HYDROXYBUTYRIC ACIDURIA; GABA METABOLIC DEFECT; Succinic Semialdehyde Dehydrogenase Deficiency. Identifiers: Orphanet 22, MedGen C0268631, MONDO:0010083, OMIM 271980.

Allele frequency attached by ClinVar (database versions not stated): TOPMed 0.00001.
gnomAD v4.1: 2 of 1,329,144 alleles (0.00015%); highest among the groups gnomAD compares: Non-Finnish European, 0.00019%; no homozygotes.

Submission:

Labcorp Genetics (formerly Invitae), Labcorp
Classification: Uncertain significance for Succinate-semialdehyde dehydrogenase deficiency. Last evaluated: 2022-04-09. Review status: criteria provided, single submitter. Criteria: Invitae Variant Classification Sherloc (09022015). Collection method: clinical testing. Allele origin: germline.
Comment: This sequence change replaces arginine, which is basic and polar, with glycine, which is neutral and non-polar, at codon 25 of the ALDH5A1 protein (p.Arg25Gly). This variant is not present in population databases (gnomAD no frequency). This variant has not been reported in the literature in individuals affected with ALDH5A1-related conditions. Advanced modeling of protein sequence and biophysical properties (such as structural, functional, and spatial information, amino acid conservation, physicochemical variation, residue mobility, and thermodynamic stability) performed at Invitae indicates that this missense variant is not expected to disrupt ALDH5A1 protein function. In summary, the available evidence is currently insufficient to determine the role of this variant in disease. Therefore, it has been classified as a Variant of Uncertain Significance.

NM_001080.3(ALDH5A1):c.73C>G (p.Arg25Gly)

Genes: ALDH5A1 (aldehyde dehydrogenase 5 family member A1; plus strand), GPLD1 (glycosylphosphatidylinositol specific phospholipase D1; minus strand), LOC129995978 (ATAC-STARR-seq lymphoblastoid silent region 16989; plus strand). Cytogenetic location: 6p22.3.
Variant type: single nucleotide variant.
Coding change: c.73C>G on transcript NM_001080.3 (MANE Select); coding-DNA position 73, C replaced by G.
Protein change: p.Arg25Gly; replaces arginine 25 with glycine.
Molecular consequence: missense variant.
Genome position (GRCh38, 1-based): chr6:24,495,069, C>G. VCF-style: chr6-24495069-C-G. GRCh37 (hg19) VCF-style: chr6-24495297-C-G.
Other names: c.73C>G, p.Arg25Gly (NM_001368954.1, NM_170740.1); short protein forms R25G.
Identifiers: ClinVar variation 2071889 (VCV002071889.1), dbSNP rs1204927317, ClinGen allele CA362968180.